The following is an entry in ClinVar:

NM_000228.3(LAMB3):c.2359-15G>A

Gene: LAMB3 (laminin subunit beta 3; minus strand). Cytogenetic location: 1q32.2.
Variant type: single nucleotide variant.
Coding change: c.2359-15G>A on transcript NM_000228.3 (MANE Select); 15 bases into the intron before coding-DNA position 2359, G replaced by A.
Molecular consequence: intron variant.
Genome position (GRCh38, 1-based): chr1:209,623,194, C>T on the plus strand (G>A on the coding strand, the complement: LAMB3 is on the minus strand). VCF-style: chr1-209623194-C-T. GRCh37 (hg19) VCF-style: chr1-209796539-C-T.
Other names: c.2359-15G>A (NM_001127641.1, NM_001017402.2).
Identifiers: ClinVar variation 295093 (VCV000295093.10), dbSNP rs147708427, ClinGen allele CA1375257.
Genomic context (GRCh38, chr1:209,623,194, plus strand): 5'-GGCATGATATTGGGGTGCAAGCCATCTGCCTGGAGTTGCCACAGAGCTGTGGACAGATGG[C>T]GGTGTTAAAGAGGCTACCCAAAGCCCCTCAATAACCAATCCCACCCCACACCTGGGAAAC-3'

ClinVar aggregate classification (germline): Benign. Review status: criteria provided, multiple submitters, no conflicts (2 of 4 stars). 3 submissions from 3 submitters: Benign (3). Last evaluated 2026-01-31.

Conditions:
Junctional epidermolysis bullosa. Identifiers: Orphanet 305, MedGen C0079301, MONDO:0017612.

Allele frequency attached by ClinVar (database versions not stated): gnomAD exomes 0.00045 and 0.00111; ExAC 0.00146; ESP Exome Variant Server 0.00477; TOPMed 0.00479; 1000 Genomes Project 0.00599; 1000 Genomes Project 30x 0.00640.
gnomAD v4.1: 1,308 of 1,613,874 alleles (0.081%); highest among the groups gnomAD compares: African/African-American, 1.4%; 11 homozygotes.

Submissions (3):

Labcorp Genetics (formerly Invitae), Labcorp
Classification: Benign. Last evaluated: 2026-01-31. Review status: criteria provided, single submitter. Criteria: Invitae Variant Classification Sherloc (09022015). Collection method: clinical testing. Allele origin: germline.

Illumina Laboratory Services, Illumina
Classification: Benign for Junctional epidermolysis bullosa. Last evaluated: 2018-01-13. Review status: criteria provided, single submitter. Criteria: ICSL Variant Classification Criteria 13 December 2019. Collection method: clinical testing. Allele origin: germline.
Comment: This variant was observed in the ICSL laboratory as part of a predisposition screen in an ostensibly healthy population. It had not been previously curated by ICSL or reported in the Human Gene Mutation Database (HGMD: prior to June 1st, 2018), and was therefore a candidate for classification through an automated scoring system. Utilizing variant allele frequency, disease prevalence and penetrance estimates, and inheritance mode, an automated score was calculated to assess if this variant is too frequent to cause the disease. Based on the score and internal cut-off values, a variant classified as benign is not then subjected to further curation. The score for this variant resulted in a classification of benign for this disease.

Breakthrough Genomics
Classification: Benign. Review status: criteria provided, single submitter. Criteria: ACMG Guidelines, 2015. Collection method: not provided. Allele origin: germline. Inheritance: Autosomal recessive inheritance. Affected: yes.